The following is an entry in ClinVar:

ClinVar aggregate classification (germline): Pathogenic (1 of 4 stars; one submission).

Conditions:
Mucopolysaccharidosis, MPS-III-B (MPS3B). Also called: N-ACETYL-ALPHA-D-GLUCOSAMINIDASE DEFICIENCY; NAGLU DEFICIENCY; SANFILIPPO SYNDROME B; MPS III B; Mucopolysaccharidosis type IIIB (Sanfilippo B); MPS IIIB (Sanfilippo Syndrome Type B). Identifiers: Orphanet 79270, MedGen C0086648, MONDO:0009656, OMIM 252920.
Charcot-Marie-Tooth disease axonal type 2V. Also called: CHARCOT-MARIE-TOOTH NEUROPATHY, TYPE 2V; CHARCOT-MARIE-TOOTH DISEASE, AXONAL, AUTOSOMAL DOMINANT, TYPE 2V. Identifiers: Orphanet 447964, MedGen C5569050, MONDO:0014665, OMIM 616491.

Submission:

Labcorp Genetics (formerly Invitae), Labcorp
Classification: Pathogenic for Charcot-Marie-Tooth disease axonal type 2V; Mucopolysaccharidosis, MPS-III-B. Last evaluated: 2022-07-20. Review status: criteria provided, single submitter. Criteria: Invitae Variant Classification Sherloc (09022015). Collection method: clinical testing. Allele origin: germline.
Comment: For these reasons, this variant has been classified as Pathogenic. This variant has not been reported in the literature in individuals affected with NAGLU-related conditions. This variant is not present in population databases (gnomAD no frequency). This sequence change creates a premature translational stop signal (p.Thr239Alafs*2) in the NAGLU gene. It is expected to result in an absent or disrupted protein product. Loss-of-function variants in NAGLU are known to be pathogenic (PMID: 9832037, 10094189, 16151907).

Literature cited by the submitters: PubMed 9832037; PubMed 10094189; PubMed 16151907.

NM_000263.4(NAGLU):c.710_714dup (p.Thr239delinsAlaTer)

Gene: NAGLU (N-acetyl-alpha-glucosaminidase; plus strand). Cytogenetic location: 17q21.2.
Variant type: Duplication.
Coding change: c.710_714dup on transcript NM_000263.4 (MANE Select); coding-DNA positions 710 to 714, 5 bases duplicated (GCATG; older notation c.710_714dupGCATG).
Protein change: p.Thr239delinsAlaTer.
Molecular consequence: nonsense.
Genome position (GRCh38, 1-based): chr17:42,538,701-42,538,705, GCATG duplicated; duplicating any 5 consecutive bases within chr17:42,538,700-42,538,705 gives the same sequence; the c. name uses the placement nearest the transcript's 3' end. VCF-style (leftmost placement, unchanged base first): chr17-42538699-C-CGGCAT. GRCh37 (hg19) VCF-style: chr17-40690717-C-CGGCAT.
Identifiers: ClinVar variation 2015353 (VCV002015353.4), dbSNP rs2510653834, ClinGen allele CA2580093985.